The following is an entry in ClinVar:

NM_002906.4(RDX):c.1059A>G (p.Gln353=)

Gene: RDX (radixin; minus strand). Cytogenetic location: 11q22.3.
Variant type: single nucleotide variant.
Coding change: c.1059A>G on transcript NM_002906.4 (MANE Select); coding-DNA position 1059, A replaced by G.
Protein change: p.Gln353=; no amino-acid change (glutamine 353 retained).
Molecular consequence: synonymous variant. On other transcripts: intron variant (1).
Genome position (GRCh38, 1-based): chr11:110,247,734, T>C on the plus strand (A>G on the coding strand, the complement: RDX is on the minus strand). VCF-style: chr11-110247734-T-C. GRCh37 (hg19) VCF-style: chr11-110118459-T-C.
Other names: c.1059A>G, p.Gln353= (NM_001260492.2, NM_001260493.2); c.651A>G, p.Gln217= (NM_001260494.2); c.18A>G, p.Gln6= (NM_001260495.2); c.404+10423A>G (NM_001260496.2).
Identifiers: ClinVar variation 44636 (VCV000044636.20), dbSNP rs139953187, ClinGen allele CA134765.
Genomic context (GRCh38, chr11:110,247,734, plus strand): 5'-TAATCCATTTTCAAAAAAGAAACTTTTACCTTTCTGAGCTTTAATTGTCTGCTCTTCAAT[T>C]TGTTTTAGACGTTCCATTAGCTCTTCCTTTTCACGTTCTATTCTTTCCTTTTCCTTTTCT-3'
Protein context (NP_002897.1, residues 343-363): EKEELMERLK[Gln353=]IEEQTIKAQK

ClinVar aggregate classification (germline): Conflicting classifications of pathogenicity. Review status: criteria provided, conflicting classifications (1 of 4 stars). 5 submissions from 5 submitters: Uncertain significance (1); Benign (4). Last evaluated 2026-01-25.

Conditions:
Autosomal recessive nonsyndromic hearing loss 24. Identifiers: Orphanet 90636, MedGen C1970239, MONDO:0012602, OMIM 611022.

Allele frequency attached by ClinVar (database versions not stated): gnomAD exomes 0.00073 and 0.00196; ExAC 0.00251; gnomAD 0.00644 and 0.00677; TOPMed 0.00732; ESP Exome Variant Server 0.00832; 1000 Genomes Project 0.01058; 1000 Genomes Project 30x 0.01077.
gnomAD v4.1: 2,095 of 1,612,290 alleles (0.13%); highest among the groups gnomAD compares: African/African-American, 2.1%; 20 homozygotes.

Submissions (5):

Labcorp Genetics (formerly Invitae), Labcorp
Classification: Benign. Last evaluated: 2026-01-25. Review status: criteria provided, single submitter. Criteria: Invitae Variant Classification Sherloc (09022015). Collection method: clinical testing. Allele origin: germline.

GeneDx
Classification: Benign. Last evaluated: 2019-07-26. Review status: criteria provided, single submitter. Criteria: GeneDx Variant Classification Process June 2021. Collection method: clinical testing. Allele origin: germline. Affected: yes.

Athena Diagnostics
Classification: Benign. Last evaluated: 2018-09-14. Review status: criteria provided, single submitter. Criteria: Athena Diagnostics Criteria. Collection method: clinical testing. Allele origin: germline.

Illumina Laboratory Services, Illumina
Classification: Uncertain significance for Autosomal recessive nonsyndromic hearing loss 24. Last evaluated: 2018-01-13. Review status: criteria provided, single submitter. Criteria: ICSL Variant Classification Criteria 13 December 2019. Collection method: clinical testing. Allele origin: germline.

Laboratory for Molecular Medicine, Mass General Brigham Personalized Medicine
Classification: Benign. Last evaluated: 2012-04-30. Review status: criteria provided, single submitter. Criteria: LMM Criteria. Collection method: clinical testing. Allele origin: germline. Observed: 12 variant alleles.
Comment: Gln353Gln in Exon 10 of RDX: This variant is not expected to have clinical signi ficance because it does not alter an amino acid residue, is not located within t he splice consensus sequence, and has been identified in 2.4% (88/3732) of Afric an American chromosomes from a broad population by the NHLBI Exome Sequencing Pr oject (dbSNP rs139953187).